The following is an entry in ClinVar:

ClinVar aggregate classification (germline): Uncertain significance (1 of 4 stars; one submission).

Conditions:
Cardiovascular phenotype. Identifiers: MedGen CN230736.

Submission:

Ambry Genetics
Classification: Uncertain significance for Cardiovascular phenotype. Last evaluated: 2025-08-12. Review status: criteria provided, single submitter. Criteria: Ambry Variant Classification Scheme 2023. Collection method: clinical testing. Allele origin: germline.
Comment: The p.C1142F variant (also known as c.3425G>T), located in coding exon 22 of the ABCA1 gene, results from a G to T substitution at nucleotide position 3425. The cysteine at codon 1142 is replaced by phenylalanine, an amino acid with highly dissimilar properties. This amino acid position is conserved. In addition, this alteration is predicted to be deleterious by in silico analysis. Based on the available evidence, the clinical significance of this variant remains unclear.

NM_005502.4(ABCA1):c.3425G>T (p.Cys1142Phe)

Gene: ABCA1 (ATP binding cassette subfamily A member 1; minus strand). Cytogenetic location: 9q31.1.
Variant type: single nucleotide variant.
Coding change: c.3425G>T on transcript NM_005502.4 (MANE Select); coding-DNA position 3425, G replaced by T.
Protein change: p.Cys1142Phe; replaces cysteine 1142 with phenylalanine.
Molecular consequence: missense variant.
Genome position (GRCh38, 1-based): chr9:104,818,700, C>A on the plus strand (G>T on the coding strand, the complement: ABCA1 is on the minus strand). VCF-style: chr9-104818700-C-A. GRCh37 (hg19) VCF-style: chr9-107580981-C-A.
Other names: short protein forms C1142F.
Identifiers: ClinVar variation 4235956 (VCV004235956.1).
Genomic context (GRCh38, chr9:104,818,700, plus strand): 5'-CCAGCACCAAGACTGCAGCTCACCTTTTTCAGGTATGACACAGTGCTACTACTGTTTCTG[C>A]AGGAACTGAGGGAGGATTCCACATCTTTCTTGACCAAGGTCAGGTAGTAGCCTGTTCCCA-3'
Protein context (NP_005493.2, residues 1132-1152): KKDVESSLSS[Cys1142Phe]RNSSSTVSYL